The following is an entry in ClinVar:

NM_001430.5(EPAS1):c.1795C>T (p.Pro599Ser)

Gene: EPAS1 (endothelial PAS domain protein 1; plus strand). Cytogenetic location: 2p21.
Variant type: single nucleotide variant.
Coding change: c.1795C>T on transcript NM_001430.5 (MANE Select); coding-DNA position 1795, C replaced by T.
Protein change: p.Pro599Ser; replaces proline 599 with serine.
Molecular consequence: missense variant.
Genome position (GRCh38, 1-based): chr2:46,380,467, C>T. VCF-style: chr2-46380467-C-T. GRCh37 (hg19) VCF-style: chr2-46607606-C-T.
Other names: short protein forms P599S.
Identifiers: ClinVar variation 1780251 (VCV001780251.2), dbSNP rs2103672905, ClinGen allele CA346704902.
Genomic context (GRCh38, chr2:46,380,467, plus strand): 5'-CCGCACAGTCCCTTCCTCCTGGACAAGTTTCAGCAGCAGCTGGAGAGCAAGAAGACAGAG[C>T]CCGAGCACCGGCCCATGTCCTCCATCTTCTTTGATGCCGGAAGCAAAGCATCCCTGCCAC-3'
Protein context (NP_001421.2, residues 589-609): QQQLESKKTE[Pro599Ser]EHRPMSSIFF

ClinVar aggregate classification (germline): Uncertain significance (1 of 4 stars; one submission).

Conditions:
Inborn genetic diseases. Identifiers: MedGen C0950123, MeSH D030342.

gnomAD v4.1: 1 of 1,614,140 alleles (0.000062%); no homozygotes.

Submission:

Ambry Genetics
Classification: Uncertain significance for Inborn genetic diseases. Last evaluated: 2021-12-06. Review status: criteria provided, single submitter. Criteria: Ambry Variant Classification Scheme 2023. Collection method: clinical testing. Allele origin: germline.
Comment: The p.P599S variant (also known as c.1795C>T), located in coding exon 12 of the EPAS1 gene, results from a C to T substitution at nucleotide position 1795. The proline at codon 599 is replaced by serine, an amino acid with similar properties. This amino acid position is conserved. In addition, this alteration is predicted to be tolerated by in silico analysis. Since supporting evidence is limited at this time, the clinical significance of this alteration remains unclear.